The following is an entry in ClinVar:

ClinVar aggregate classification (germline): Uncertain significance (1 of 4 stars; one submission).

Submission:

GeneDx
Classification: Uncertain significance. Last evaluated: 2023-06-01. Review status: criteria provided, single submitter. Criteria: GeneDx Variant Classification Process June 2021. Collection method: clinical testing. Allele origin: germline. Affected: yes.
Comment: Not observed at significant frequency in large population cohorts (gnomAD); In silico analysis supports that this missense variant has a deleterious effect on protein structure/function; Has not been previously published as pathogenic or benign to our knowledge

NM_014991.6(WDFY3):c.7651A>G (p.Ser2551Gly)

Gene: WDFY3 (WD repeat and FYVE domain containing 3; minus strand). Cytogenetic location: 4q21.23.
Variant type: single nucleotide variant.
Coding change: c.7651A>G on transcript NM_014991.6 (MANE Select); coding-DNA position 7651, A replaced by G.
Protein change: p.Ser2551Gly; replaces serine 2551 with glycine.
Molecular consequence: missense variant.
Genome position (GRCh38, 1-based): chr4:84,718,525, T>C on the plus strand (A>G on the coding strand, the complement: WDFY3 is on the minus strand). VCF-style: chr4-84718525-T-C. GRCh37 (hg19) VCF-style: chr4-85639678-T-C.
Other names: short protein forms S2551G.
Identifiers: ClinVar variation 3362181 (VCV003362181.1).